The following is an entry in ClinVar:

NC_000010.11:g.96201059del

Genes: BLNK (B cell linker; minus strand), ZNF518A (zinc finger protein 518A; plus strand). Cytogenetic location: 10q24.1.
Variant type: Deletion.
Genome position: GRCh38 VCF-style: chr10-96201057-TC-T. GRCh37 (hg19) VCF-style: chr10-97960813-TC-T.
Identifiers: ClinVar variation 3729465 (VCV003729465.2).
Genomic context (GRCh38, chr10:96,201,057, plus strand): 5'-GGAATTAGATGAAAAGCTGGGTAGGGGCCCATCCACAGTTGGGTTTCCCCCTTCTGTAAA[TC>T]CTGAAAGGGATCAGAAAAGTCCTTCAATTAATCTTCATATTTCTTGAACTCTTTCTATGC-3'

ClinVar aggregate classification (germline): Pathogenic (1 of 4 stars; one submission).

Conditions:
Agammaglobulinemia 4, autosomal recessive (AGM4). Also called: AGAMMAGLOBULINEMIA, AUTOSOMAL RECESSIVE, DUE TO BLNK DEFECT; B cell linker protein deficiency. Identifiers: MedGen C3150752, MONDO:0013289, OMIM 613502.

Submission:

Labcorp Genetics (formerly Invitae), Labcorp
Classification: Pathogenic for Agammaglobulinemia 4, autosomal recessive. Last evaluated: 2025-01-23. Review status: criteria provided, single submitter. Criteria: Invitae Variant Classification Sherloc (09022015). Collection method: clinical testing. Allele origin: germline.
Comment: This sequence change creates a premature translational stop signal (p.Arg312Asnfs*74) in the BLNK gene. It is expected to result in an absent or disrupted protein product. Loss-of-function variants in BLNK are known to be pathogenic (PMID: 10583958, 24582315). This variant is not present in population databases (gnomAD no frequency). This variant has not been reported in the literature in individuals affected with BLNK-related conditions. Algorithms developed to predict the effect of sequence changes on RNA splicing suggest that this variant may disrupt the consensus splice site. For these reasons, this variant has been classified as Pathogenic.

Literature cited by the submitters: PubMed 10583958; PubMed 24582315.